The following is an entry in ClinVar:

ClinVar aggregate classification (germline): Uncertain significance (1 of 4 stars; one submission).

Conditions:
Renal cell carcinoma. Identifiers: Orphanet 217071, MedGen C0007134, MeSH D002292, MONDO:0005086, HP:0005584.

Submission:

Labcorp Genetics (formerly Invitae), Labcorp
Classification: Uncertain significance for Renal cell carcinoma. Last evaluated: 2024-09-03. Review status: criteria provided, single submitter. Criteria: Invitae Variant Classification Sherloc (09022015). Collection method: clinical testing. Allele origin: germline.
Comment: This sequence change replaces tryptophan, which is neutral and slightly polar, with cysteine, which is neutral and slightly polar, at codon 586 of the MET protein (p.Trp586Cys). This variant is not present in population databases (gnomAD no frequency). This variant has not been reported in the literature in individuals affected with MET-related conditions. Invitae Evidence Modeling of protein sequence and biophysical properties (such as structural, functional, and spatial information, amino acid conservation, physicochemical variation, residue mobility, and thermodynamic stability) indicates that this missense variant is expected to disrupt MET protein function with a positive predictive value of 80%. In summary, the available evidence is currently insufficient to determine the role of this variant in disease. Therefore, it has been classified as a Variant of Uncertain Significance.

NM_000245.4(MET):c.1758G>C (p.Trp586Cys)

Gene: MET (MET proto-oncogene, receptor tyrosine kinase; plus strand). Cytogenetic location: 7q31.2.
Variant type: single nucleotide variant.
Coding change: c.1758G>C on transcript NM_000245.4 (MANE Select); coding-DNA position 1758, G replaced by C.
Protein change: p.Trp586Cys; replaces tryptophan 586 with cysteine.
Molecular consequence: missense variant.
Genome position (GRCh38, 1-based): chr7:116,755,411, G>C. VCF-style: chr7-116755411-G-C. GRCh37 (hg19) VCF-style: chr7-116395465-G-C.
Other names: c.1758G>C, p.Trp586Cys (NM_001127500.3, NM_001324401.3); c.468G>C, p.Trp156Cys (NM_001324402.2); short protein forms W586C, W156C.
Identifiers: ClinVar variation 3668541 (VCV003668541.2).
Genomic context (GRCh38, chr7:116,755,411, plus strand): 5'-GTAGGTTTTCCCAAATAGTGCACCCCTTGAAGGAGGGACAAGGCTGACCATATGTGGCTG[G>C]GACTTTGGATTTCGGAGGAATAATAAATTTGATTTAAAGAAAACTAGAGTTCTCCTTGGA-3'
Protein context (NP_000236.2, residues 576-596): EGGTRLTICG[Trp586Cys]DFGFRRNNKF